The following is an entry in ClinVar:

ClinVar aggregate classification (germline): Uncertain significance (1 of 4 stars; one submission).

Conditions:
Rhabdoid tumor predisposition syndrome 2 (RTPS2). Identifiers: Orphanet 231108, Orphanet 69077, MedGen C2750074, MONDO:0013224, OMIM 613325.

Submission:

Labcorp Genetics (formerly Invitae), Labcorp
Classification: Uncertain significance for Rhabdoid tumor predisposition syndrome 2. Last evaluated: 2024-02-17. Review status: criteria provided, single submitter. Criteria: Invitae Variant Classification Sherloc (09022015). Collection method: clinical testing. Allele origin: germline.
Comment: This sequence change replaces methionine, which is neutral and non-polar, with lysine, which is basic and polar, at codon 185 of the SMARCA4 protein (p.Met185Lys). This variant is not present in population databases (gnomAD no frequency). This variant has not been reported in the literature in individuals affected with SMARCA4-related conditions. Advanced modeling of protein sequence and biophysical properties (such as structural, functional, and spatial information, amino acid conservation, physicochemical variation, residue mobility, and thermodynamic stability) has been performed at Invitae for this missense variant, however the output from this modeling did not meet the statistical confidence thresholds required to predict the impact of this variant on SMARCA4 protein function. In summary, the available evidence is currently insufficient to determine the role of this variant in disease. Therefore, it has been classified as a Variant of Uncertain Significance.

NM_003072.5(SMARCA4):c.554T>A (p.Met185Lys)

Gene: SMARCA4 (SWI/SNF related BAF chromatin remodeling complex subunit ATPase 4; plus strand). Cytogenetic location: 19p13.2.
Variant type: single nucleotide variant.
Coding change: c.554T>A on transcript NM_003072.5 (MANE Select); coding-DNA position 554, T replaced by A.
Protein change: p.Met185Lys; replaces methionine 185 with lysine.
Molecular consequence: missense variant. On other transcripts: non-coding transcript variant (1).
Genome position (GRCh38, 1-based): chr19:10,986,387, T>A. VCF-style: chr19-10986387-T-A. GRCh37 (hg19) VCF-style: chr19-11097063-T-A.
Other names: c.554T>A, p.Met185Lys (NM_001128844.3, NM_001128845.2, NM_001128846.2 and 6 more transcripts); short protein forms M185K.
Identifiers: ClinVar variation 3636830 (VCV003636830.2).